The following is an entry in ClinVar:

ClinVar aggregate classification (germline): Uncertain significance. Review status: criteria provided, multiple submitters, no conflicts (2 of 4 stars). 2 submissions from 2 submitters: Uncertain significance (2). Last evaluated 2024-09-05.

Conditions:
Primary ciliary dyskinesia. Also called: Ciliary dyskinesia. Identifiers: Orphanet 244, MedGen C0008780, MONDO:0016575, HP:0012265.

Allele frequency attached by ClinVar (database versions not stated): gnomAD exomes below 0.00001 and 0.00001; TOPMed 0.00001.
gnomAD v4.1: 2 of 1,551,634 alleles (0.00013%); highest among the groups gnomAD compares: Admixed American, 0.0039%; no homozygotes.

Submissions (2):

Ambry Genetics
Classification: Uncertain significance for Primary ciliary dyskinesia. Last evaluated: 2024-09-05. Review status: criteria provided, single submitter. Criteria: Ambry Variant Classification Scheme 2023. Collection method: clinical testing. Allele origin: germline.

Labcorp Genetics (formerly Invitae), Labcorp
Classification: Uncertain significance for Primary ciliary dyskinesia. Last evaluated: 2022-04-02. Review status: criteria provided, single submitter. Criteria: Invitae Variant Classification Sherloc (09022015). Collection method: clinical testing. Allele origin: germline.
Comment: This sequence change replaces serine, which is neutral and polar, with arginine, which is basic and polar, at codon 172 of the CCDC114 protein (p.Ser172Arg). This variant is present in population databases (no rsID available, gnomAD 0.004%). This variant has not been reported in the literature in individuals affected with CCDC114-related conditions. ClinVar contains an entry for this variant (Variation ID: 568743). Algorithms developed to predict the effect of missense changes on protein structure and function output the following: SIFT: "Tolerated"; PolyPhen-2: "Benign"; Align-GVGD: "Class C0". The arginine amino acid residue is found in multiple mammalian species, which suggests that this missense change does not adversely affect protein function. In summary, the available evidence is currently insufficient to determine the role of this variant in disease. Therefore, it has been classified as a Variant of Uncertain Significance.

NM_001364171.2(ODAD1):c.627C>G (p.Ser209Arg)

Gene: ODAD1 (outer dynein arm docking complex subunit 1; minus strand). Cytogenetic location: 19q13.33.
Variant type: single nucleotide variant.
Coding change: c.627C>G on transcript NM_001364171.2 (MANE Select); coding-DNA position 627, C replaced by G.
Protein change: p.Ser209Arg; replaces serine 209 with arginine.
Molecular consequence: missense variant.
Genome position (GRCh38, 1-based): chr19:48,306,294, G>C on the plus strand (C>G on the coding strand, the complement: ODAD1 is on the minus strand). VCF-style: chr19-48306294-G-C. GRCh37 (hg19) VCF-style: chr19-48809551-G-C.
Other names: c.516C>G, p.Ser172Arg (NM_144577.4); short protein forms S172R, S209R.
Identifiers: ClinVar variation 568743 (VCV000568743.4), dbSNP rs919043631, ClinGen allele CA309306826.